The following is an entry in ClinVar:

NM_001035.3(RYR2):c.8744C>T (p.Pro2915Leu)

Gene: RYR2 (ryanodine receptor 2; plus strand). Cytogenetic location: 1q43.
Variant type: single nucleotide variant.
Coding change: c.8744C>T on transcript NM_001035.3 (MANE Select); coding-DNA position 8744, C replaced by T.
Protein change: p.Pro2915Leu; replaces proline 2915 with leucine.
Molecular consequence: missense variant.
Genome position (GRCh38, 1-based): chr1:237,674,760, C>T. VCF-style: chr1-237674760-C-T. GRCh37 (hg19) VCF-style: chr1-237838060-C-T.
Other names: short protein forms P2915L.
Identifiers: ClinVar variation 3687229 (VCV003687229.2).

ClinVar aggregate classification (germline): Uncertain significance (1 of 4 stars; one submission).

Conditions:
Catecholaminergic polymorphic ventricular tachycardia 1. Also called: VENTRICULAR TACHYCARDIA, STRESS-INDUCED POLYMORPHIC 1; VENTRICULAR TACHYCARDIA, CATECHOLAMINERGIC POLYMORPHIC, 1, WITH OR WITHOUT ATRIAL DYSFUNCTION AND/OR DILATED CARDIOMYOPATHY; RYR2-Related Catecholaminergic Polymorphic Ventricular Tachycardia. Identifiers: Orphanet 3286, MedGen C1631597, MONDO:0011484, OMIM 604772.

Submission:

Labcorp Genetics (formerly Invitae), Labcorp
Classification: Uncertain significance for Catecholaminergic polymorphic ventricular tachycardia 1. Last evaluated: 2024-11-17. Review status: criteria provided, single submitter. Criteria: Invitae Variant Classification Sherloc (09022015). Collection method: clinical testing. Allele origin: germline.
Comment: This sequence change replaces proline, which is neutral and non-polar, with leucine, which is neutral and non-polar, at codon 2915 of the RYR2 protein (p.Pro2915Leu). This variant is not present in population databases (gnomAD no frequency). This variant has not been reported in the literature in individuals affected with RYR2-related conditions. Invitae Evidence Modeling of protein sequence and biophysical properties (such as structural, functional, and spatial information, amino acid conservation, physicochemical variation, residue mobility, and thermodynamic stability) indicates that this missense variant is not expected to disrupt RYR2 protein function with a negative predictive value of 95%. In summary, the available evidence is currently insufficient to determine the role of this variant in disease. Therefore, it has been classified as a Variant of Uncertain Significance.